The following is an entry in ClinVar:

ClinVar aggregate classification (germline): Benign. Review status: criteria provided, multiple submitters, no conflicts (2 of 4 stars). 8 submissions from 7 submitters: Benign (6). 2 of the submissions do not count toward it. Last evaluated 2023-10-01.

Conditions:
Occult macular dystrophy (OCMD). Also called: OMD; OCCULT MACULAR DYSTROPHY, SUSCEPTIBILITY TO. Identifiers: Orphanet 247834, MedGen C3150833, MONDO:0013316, OMIM 613587, HP:0030636.
Retinitis pigmentosa 88. Identifiers: MedGen C5394208, MONDO:0032940, OMIM 618826.
Retinal dystrophy. Also called: Inherited retinal dystrophy. Identifiers: Orphanet 71862, MedGen C0854723, MeSH D058499, MONDO:0019118, HP:0000556.

Allele frequency attached by ClinVar (database versions not stated): 1000 Genomes Project 0.31210; 1000 Genomes Project 30x 0.31371; gnomAD exomes 0.37003 and 0.44277; ExAC 0.37815; gnomAD 0.39203 and 0.40064; ESP Exome Variant Server 0.44608.

Submissions (8):

Dept Of Ophthalmology, Nagoya University
Classification: Benign for Retinal dystrophy. Last evaluated: 2023-10-01. Review status: criteria provided, single submitter. Criteria: Submitter's publication. Collection method: research. Allele origin: germline. Affected: yes.

Genome-Nilou Lab
Classification: Benign for Occult macular dystrophy. Last evaluated: 2021-11-07. Review status: criteria provided, single submitter. Criteria: ACMG Guidelines, 2015. Collection method: clinical testing. Allele origin: germline. Affected: no.

Genome-Nilou Lab
Classification: Benign for Retinitis pigmentosa 88. Last evaluated: 2021-11-07. Review status: criteria provided, single submitter. Criteria: ACMG Guidelines, 2015. Collection method: clinical testing. Allele origin: germline. Affected: no.

GeneDx
Classification: Benign. Last evaluated: 2019-07-17. Review status: criteria provided, single submitter. Criteria: GeneDx Variant Classification Process June 2021. Collection method: clinical testing. Allele origin: germline. Affected: yes.

Illumina Laboratory Services, Illumina
Classification: Benign for Occult macular dystrophy. Last evaluated: 2018-01-13. Review status: criteria provided, single submitter. Criteria: ICSL Variant Classification Criteria 13 December 2019. Collection method: clinical testing. Allele origin: germline.
Comment: This variant was observed in the ICSL laboratory as part of a predisposition screen in an ostensibly healthy population. It had not been previously curated by ICSL or reported in the Human Gene Mutation Database (HGMD: prior to June 1st, 2018), and was therefore a candidate for classification through an automated scoring system. Utilizing variant allele frequency, disease prevalence and penetrance estimates, and inheritance mode, an automated score was calculated to assess if this variant is too frequent to cause the disease. Based on the score and internal cut-off values, a variant classified as benign is not then subjected to further curation. The score for this variant resulted in a classification of benign for this disease.

Breakthrough Genomics
Classification: Benign. Review status: criteria provided, single submitter. Criteria: ACMG Guidelines, 2015. Collection method: not provided. Allele origin: germline. Inheritance: Autosomal recessive inheritance. Affected: yes.

Diagnostic Laboratory, Department of Genetics, University Medical Center Groningen
Classification: Benign. Review status: no assertion criteria provided. Collection method: clinical testing. Allele origin: germline. Affected: yes. Study: VKGL Data-share Consensus. Not counted in ClinVar's aggregate classification.

Joint Genome Diagnostic Labs from Nijmegen and Maastricht, Radboudumc and MUMC+
Classification: Benign. Review status: no assertion criteria provided. Collection method: clinical testing. Allele origin: germline. Affected: yes. Study: VKGL Data-share Consensus. Not counted in ClinVar's aggregate classification.

NM_178857.6(RP1L1):c.6511G>A (p.Glu2171Lys)

Gene: RP1L1 (RP1 like 1). Cytogenetic location: 8p23.1.
Variant type: single nucleotide variant.
Coding change: c.6511G>A on transcript NM_178857.6 (MANE Select); coding-DNA position 6511, G replaced by A.
Protein change: p.Glu2171Lys; replaces glutamic acid 2171 with lysine.
Molecular consequence: missense variant.
Genome position (GRCh38, 1-based): chr8:10,607,587, C>T on the plus strand (G>A on the coding strand, the complement: RP1L1 is on the minus strand). VCF-style: chr8-10607587-C-T. GRCh37 (hg19) VCF-style: chr8-10465097-C-T.
Other names: short protein forms E2171K.
Identifiers: ClinVar variation 361222 (VCV000361222.15), dbSNP rs4354268, ClinGen allele CA4623289.